The following is an entry in ClinVar:

NM_004247.4(EFTUD2):c.2347+1G>T

Gene: EFTUD2 (elongation factor Tu GTP binding domain containing 2; minus strand). Cytogenetic location: 17q21.31.
Variant type: single nucleotide variant.
Coding change: c.2347+1G>T on transcript NM_004247.4 (MANE Select); the canonical splice donor site of the intron after coding-DNA position 2347, G replaced by T.
Molecular consequence: splice donor variant.
Genome position (GRCh38, 1-based): chr17:44,854,268, C>A on the plus strand (G>T on the coding strand, the complement: EFTUD2 is on the minus strand). VCF-style: chr17-44854268-C-A. GRCh37 (hg19) VCF-style: chr17-42931636-C-A.
Other names: c.2242+1G>T (NM_001142605.2); c.2317+1G>T (NM_001258354.2); c.2347+1G>T (NM_001258353.2).
Identifiers: ClinVar variation 392673 (VCV000392673.2), dbSNP rs1057524588, ClinGen allele CA16607652.

ClinVar aggregate classification (germline): Pathogenic (1 of 4 stars; one submission).

Submission:

GeneDx
Classification: Pathogenic. Last evaluated: 2017-01-24. Review status: criteria provided, single submitter. Criteria: GeneDx Variant Classification (06012015). Collection method: clinical testing. Allele origin: germline. Affected: yes.
Comment: The c.2347+1G>T variant in the EFTUD2 gene has not been reported previously as a pathogenicvariant nor as a benign variant, to our knowledge. This splice site variant destroys the canonical splicedonor site in intron 23. It is predicted to cause abnormal gene splicing, either leading to an abnormalmessage that is subject to nonsense-mediated mRNA decay, or to an abnormal protein product if themessage is used for protein translation. The c.2347+1G>T variant was not observed in approximately6500 individuals of European and African American ancestry in the NHLBI Exome SequencingProject, indicating it is not a common benign variant in these populations. We interpretc.2347+1G>T as a pathogenic variant which is consistent with the clinical features reported in thisindividual.